The following is an entry in ClinVar:

NM_002334.4(LRP4):c.2611G>A (p.Gly871Arg)

Gene: LRP4 (LDL receptor related protein 4; minus strand). Cytogenetic location: 11p11.2.
Variant type: single nucleotide variant.
Coding change: c.2611G>A on transcript NM_002334.4 (MANE Select); coding-DNA position 2611, G replaced by A.
Protein change: p.Gly871Arg; replaces glycine 871 with arginine.
Molecular consequence: missense variant.
Genome position (GRCh38, 1-based): chr11:46,883,872, C>T on the plus strand (G>A on the coding strand, the complement: LRP4 is on the minus strand). VCF-style: chr11-46883872-C-T. GRCh37 (hg19) VCF-style: chr11-46905423-C-T.
Other names: short protein forms G871R.
Identifiers: ClinVar variation 2079823 (VCV002079823.1), dbSNP rs908843042, ClinGen allele CA221637147.

ClinVar aggregate classification (germline): Uncertain significance (1 of 4 stars; one submission).

Conditions:
Sclerosteosis 2 (SOST2). Identifiers: Orphanet 3152, MedGen C3280402, MONDO:0013679, OMIM 614305.
Cenani-Lenz syndactyly syndrome. Also called: SYNDACTYLY, TYPE VII; CENANI SYNDACTYLISM. Identifiers: Orphanet 3258, MedGen C1859309, MONDO:0008931, OMIM 212780.
Congenital myasthenic syndrome 17. Identifiers: Orphanet 590, MedGen C4225377, MONDO:0014578, OMIM 616304.

gnomAD v4.1: 7 of 1,612,530 alleles (0.00043%); highest among the groups gnomAD compares: South Asian, 0.0022%; no homozygotes.

Submission:

Labcorp Genetics (formerly Invitae), Labcorp
Classification: Uncertain significance for Cenani-Lenz syndactyly syndrome; Sclerosteosis 2; Congenital myasthenic syndrome 17. Last evaluated: 2022-04-30. Review status: criteria provided, single submitter. Criteria: Invitae Variant Classification Sherloc (09022015). Collection method: clinical testing. Allele origin: germline.
Comment: This sequence change replaces glycine, which is neutral and non-polar, with arginine, which is basic and polar, at codon 871 of the LRP4 protein (p.Gly871Arg). This variant is not present in population databases (gnomAD no frequency). This variant has not been reported in the literature in individuals affected with LRP4-related conditions. Algorithms developed to predict the effect of missense changes on protein structure and function (SIFT, PolyPhen-2, Align-GVGD) all suggest that this variant is likely to be disruptive. In summary, the available evidence is currently insufficient to determine the role of this variant in disease. Therefore, it has been classified as a Variant of Uncertain Significance.